The following is an entry in ClinVar:

ClinVar aggregate classification (germline): Uncertain significance (1 of 4 stars; one submission).

Conditions:
Tay-Sachs disease (TSD). Also called: HEXA Disorders; HEXA DEFICIENCY; GM2 gangliosidosis, type 1; Hexosaminidase alpha-subunit deficiency (variant B); Sphingolipidosis, Tay-Sachs; Hexosaminidase A Deficiency. Identifiers: Orphanet 845, MedGen C0039373, MONDO:0010100, OMIM 272800.

Allele frequency attached by ClinVar (database versions not stated): gnomAD exomes below 0.00001; TOPMed below 0.00001.
gnomAD v4.1: 1 of 1,614,274 alleles (0.000062%); highest among the groups gnomAD compares: Non-Finnish European, 0.000085%; no homozygotes.

Submission:

Labcorp Genetics (formerly Invitae), Labcorp
Classification: Uncertain significance for Tay-Sachs disease. Last evaluated: 2022-06-15. Review status: criteria provided, single submitter. Criteria: Invitae Variant Classification Sherloc (09022015). Collection method: clinical testing. Allele origin: germline.
Comment: This sequence change replaces serine, which is neutral and polar, with cysteine, which is neutral and slightly polar, at codon 33 of the HEXA protein (p.Ser33Cys). This variant is not present in population databases (gnomAD no frequency). This variant has not been reported in the literature in individuals affected with HEXA-related conditions. Algorithms developed to predict the effect of missense changes on protein structure and function are either unavailable or do not agree on the potential impact of this missense change (SIFT: "Deleterious"; PolyPhen-2: "Possibly Damaging"; Align-GVGD: "Class C0"). In summary, the available evidence is currently insufficient to determine the role of this variant in disease. Therefore, it has been classified as a Variant of Uncertain Significance.

NM_000520.6(HEXA):c.98C>G (p.Ser33Cys)

Gene: HEXA (hexosaminidase subunit alpha; minus strand). Cytogenetic location: 15q23.
Variant type: single nucleotide variant.
Coding change: c.98C>G on transcript NM_000520.6 (MANE Select); coding-DNA position 98, C replaced by G.
Protein change: p.Ser33Cys; replaces serine 33 with cysteine.
Molecular consequence: missense variant. On other transcripts: non-coding transcript variant (1).
Genome position (GRCh38, 1-based): chr15:72,375,875, G>C on the plus strand (C>G on the coding strand, the complement: HEXA is on the minus strand). VCF-style: chr15-72375875-G-C. GRCh37 (hg19) VCF-style: chr15-72668216-G-C.
Other names: c.98C>G, p.Ser33Cys (NM_001318825.2); short protein forms S33C.
Identifiers: ClinVar variation 1347993 (VCV001347993.5), dbSNP rs1416996557, ClinGen allele CA393070555.